The following is an entry in ClinVar:

NM_001267550.2(TTN):c.77878G>A (p.Glu25960Lys)

Genes: TTN (titin; minus strand), TTN-AS1 (TTN antisense RNA 1; plus strand). Cytogenetic location: 2q31.2.
Variant type: single nucleotide variant.
Coding change: c.77878G>A on transcript NM_001267550.2 (MANE Select); coding-DNA position 77878, G replaced by A.
Protein change: p.Glu25960Lys; replaces glutamic acid 25960 with lysine.
Molecular consequence: missense variant.
Genome position (GRCh38, 1-based): chr2:178,568,254, C>T on the plus strand (G>A on the coding strand, the complement: TTN is on the minus strand). VCF-style: chr2-178568254-C-T. GRCh37 (hg19) VCF-style: chr2-179432981-C-T.
Other names: c.72955G>A, p.Glu24319Lys (NM_001256850.1); c.50683G>A, p.Glu16895Lys (NM_003319.4); c.70174G>A, p.Glu23392Lys (NM_133378.4); c.51058G>A, p.Glu17020Lys (NM_133432.3); c.51259G>A, p.Glu17087Lys (NM_133437.4); short protein forms E24319K, E25960K, E17020K, E23392K, E16895K, E17087K.
Identifiers: ClinVar variation 510796 (VCV000510796.9), dbSNP rs367624488, ClinGen allele CA1989698.
Genomic context (GRCh38, chr2:178,568,254, plus strand): 5'-CAGACTCTAAGGCAAAGCTTTGTCCATATCTGTTTTCGGCAAATATTCTAAATTGGTATT[C>T]TGTACCAGTTTTCAGTTTGGTCACTTTGAGTGTAGTTCTAGCAACAGTAGCAGAAACAAC-3'
Protein context (NP_001254479.2, residues 25950-25970): LKVTKLKTGT[Glu25960Lys]YQFRIFAENR

ClinVar aggregate classification (germline): Conflicting classifications of pathogenicity. Review status: criteria provided, conflicting classifications (1 of 4 stars). 5 submissions from 5 submitters: Uncertain significance (4); Likely benign (1). Last evaluated 2026-07-29.

Conditions:
TTN-related disorder. Also called: TTN-related condition; TTN-related disease; TTN-related disorders.
Myopathy, myofibrillar, 9, with early respiratory failure (MFM9). Also called: Hereditary myopathy with early respiratory failure; EDSTROM MYOPATHY; MYOPATHY, PROXIMAL, WITH EARLY RESPIRATORY MUSCLE INVOLVEMENT; Myopathy, distal, with early respiratory failure, autosomal dominant. Identifiers: Orphanet 178464, Orphanet 34521, MedGen C1863599, MONDO:0011362, OMIM 603689.
Autosomal recessive limb-girdle muscular dystrophy type 2J (LGMDR10). Also called: Limb-girdle muscular dystrophy, type 2J; MUSCULAR DYSTROPHY, LIMB-GIRDLE, AUTOSOMAL RECESSIVE 10. Identifiers: Orphanet 140922, MedGen C1837342, MONDO:0012127, OMIM 608807.
Dilated cardiomyopathy 1G (CMD1G). Identifiers: Orphanet 154, MedGen C1858763, MONDO:0011400, OMIM 604145.
Early-onset myopathy with fatal cardiomyopathy (CMYO5). Also called: Salih Myopathy; CONGENITAL MYOPATHY 5 WITH CARDIOMYOPATHY. Identifiers: Orphanet 289377, MedGen C2673677, MONDO:0012714, OMIM 611705. Disease mechanism: loss of function.
Tibial muscular dystrophy (TMD). Also called: Udd Distal Myopathy – Tibial Muscular Dystrophy; UDD MYOPATHY; Tibial muscular dystrophy, tardive. Identifiers: Orphanet 609, MedGen C1838244, MONDO:0010870, OMIM 600334.
Hypertrophic cardiomyopathy 9. Also called: Familial hypertrophic cardiomyopathy 9. Identifiers: MedGen C1861065, MONDO:0013412, OMIM 613765.

Allele frequency attached by ClinVar (database versions not stated): gnomAD exomes 0.00003 and 0.00006; ExAC 0.00007; ESP Exome Variant Server 0.00008; TOPMed 0.00020; gnomAD 0.00026 and 0.00028.
gnomAD v4.1: 80 of 1,613,374 alleles (0.005%); highest among the groups gnomAD compares: African/African-American, 0.1%; no homozygotes.

Submissions (5):

PreventionGenetics, part of Exact Sciences
Classification: Uncertain significance for TTN-related condition. Last evaluated: 2026-07-29. Review status: criteria provided, single submitter. Criteria: ACMG Guidelines, 2015. Collection method: clinical testing. Allele origin: germline.
Comment: The TTN c.77878G>A variant is predicted to result in the amino acid substitution p.Glu25960Lys. To our knowledge, this variant has not been reported in the literature. This variant is reported in 0.095% of alleles in individuals of African descent in gnomAD. Although we suspect that this variant may be benign, at this time, the clinical significance of this variant is uncertain due to the absence of conclusive functional and genetic evidence.

Women's Health and Genetics/Laboratory Corporation of America, LabCorp
Classification: Uncertain significance. Last evaluated: 2025-04-29. Review status: criteria provided, single submitter. Criteria: LabCorp Variant Classification Summary - May 2015. Collection method: clinical testing. Allele origin: germline.

Revvity Omics, Revvity
Classification: Uncertain significance. Last evaluated: 2025-02-25. Review status: criteria provided, single submitter. Criteria: ACMG Guidelines, 2015. Collection method: clinical testing. Allele origin: germline.

Department of Pathology and Laboratory Medicine, Sinai Health System
Classification: Uncertain significance for Tibial muscular dystrophy; Myopathy, myofibrillar, 9, with early respiratory failure; Dilated cardiomyopathy 1G; Autosomal recessive limb-girdle muscular dystrophy type 2J; Early-onset myopathy with fatal cardiomyopathy; Hypertrophic cardiomyopathy 9. Last evaluated: 2023-06-29. Review status: criteria provided, single submitter. Criteria: ACMG Guidelines, 2015. Collection method: research. Allele origin: germline.

GeneDx
Classification: Likely benign. Last evaluated: 2020-03-26. Review status: criteria provided, single submitter. Criteria: GeneDx Variant Classification Process June 2021. Collection method: clinical testing. Allele origin: germline. Affected: yes.